The following is an entry in ClinVar:

NM_000051.4(ATM):c.6320T>C (p.Met2107Thr)

Genes: ATM (ATM serine/threonine kinase; plus strand), C11orf65 (chromosome 11 open reading frame 65; minus strand). Cytogenetic location: 11q22.3.
Variant type: single nucleotide variant.
Coding change: c.6320T>C on transcript NM_000051.4 (MANE Select); coding-DNA position 6320, T replaced by C.
Protein change: p.Met2107Thr; replaces methionine 2107 with threonine.
Molecular consequence: missense variant. On other transcripts: intron variant (2).
Genome position (GRCh38, 1-based): chr11:108,317,494, T>C. VCF-style: chr11-108317494-T-C. GRCh37 (hg19) VCF-style: chr11-108188221-T-C.
Other names: c.6320T>C, p.Met2107Thr (NM_001351834.2); c.641-8423A>G (NM_001330368.2); c.*39-8423A>G (NM_001351110.2); short protein forms M2107T.
Identifiers: ClinVar variation 481241 (VCV000481241.18), dbSNP rs1555114792, ClinGen allele CA382552207.

ClinVar aggregate classification (germline): Uncertain significance. Review status: criteria provided, multiple submitters, no conflicts (2 of 4 stars). 4 submissions from 4 submitters: Uncertain significance (4). Last evaluated 2025-07-02.

Conditions:
Hereditary cancer-predisposing syndrome. Also called: Neoplastic Syndromes, Hereditary; Hereditary Cancer Syndrome; Tumor predisposition; Hereditary neoplastic syndrome. Identifiers: Orphanet 140162, MedGen C0027672, MeSH D009386, MONDO:0015356.
Ataxia-telangiectasia syndrome (AT). Also called: LOUIS-BAR SYNDROME; Cerebello-oculocutaneous telangiectasia; Immunodeficiency with ataxia telangiectasia; Ataxia-telangiectasia, complementation group D; AT, COMPLEMENTATION GROUP C; Ataxia-telangiectasia, complementation group E. Identifiers: Orphanet 100, MedGen C0004135, MONDO:0008840, OMIM 208900.

Allele frequency attached by ClinVar (database versions not stated): gnomAD exomes below 0.00001.
gnomAD v4.1: 4 of 1,611,758 alleles (0.00025%); highest among the groups gnomAD compares: Non-Finnish European, 0.00034%; no homozygotes.

Submissions (4):

Ambry Genetics
Classification: Uncertain significance for Hereditary cancer-predisposing syndrome. Last evaluated: 2025-07-02. Review status: criteria provided, single submitter. Criteria: Ambry Variant Classification Scheme 2023. Collection method: clinical testing. Allele origin: germline.
Comment: The p.M2107T variant (also known as c.6320T>C), located in coding exon 42 of the ATM gene, results from a T to C substitution at nucleotide position 6320. The methionine at codon 2107 is replaced by threonine, an amino acid with similar properties. This amino acid position is well conserved in available vertebrate species. In addition, this alteration is predicted to be tolerated by in silico analysis. Since supporting evidence is limited at this time, the clinical significance of this alteration remains unclear.

Labcorp Genetics (formerly Invitae), Labcorp
Classification: Uncertain significance for Ataxia-telangiectasia syndrome. Last evaluated: 2024-04-06. Review status: criteria provided, single submitter. Criteria: Invitae Variant Classification Sherloc (09022015). Collection method: clinical testing. Allele origin: germline.
Comment: This sequence change replaces methionine, which is neutral and non-polar, with threonine, which is neutral and polar, at codon 2107 of the ATM protein (p.Met2107Thr). This variant is not present in population databases (gnomAD no frequency). This variant has not been reported in the literature in individuals affected with ATM-related conditions. ClinVar contains an entry for this variant (Variation ID: 481241). An algorithm developed to predict the effect of missense changes on protein structure and function (PolyPhen-2) suggests that this variant is likely to be tolerated. In summary, the available evidence is currently insufficient to determine the role of this variant in disease. Therefore, it has been classified as a Variant of Uncertain Significance.

Color Diagnostics, LLC DBA Color Health
Classification: Uncertain significance for Hereditary cancer-predisposing syndrome. Last evaluated: 2023-12-05. Review status: criteria provided, single submitter. Criteria: ACMG Guidelines, 2015. Collection method: clinical testing. Allele origin: germline.
Comment: This missense variant replaces methionine with threonine at codon 2107 of the ATM protein. Computational prediction suggests that this variant may not impact protein structure and function (internally defined REVEL score threshold <= 0.5, PMID: 27666373). To our knowledge, functional studies have not been reported for this variant. This variant has not been reported in individuals affected with ATM-related disorders in the literature. This variant has not been identified in the general population by the Genome Aggregation Database (gnomAD). The available evidence is insufficient to determine the role of this variant in disease conclusively. Therefore, this variant is classified as a Variant of Uncertain Significance.

GeneDx
Classification: Uncertain significance. Last evaluated: 2020-04-01. Review status: criteria provided, single submitter. Criteria: GeneDx Variant Classification Process June 2021. Collection method: clinical testing. Allele origin: germline. Affected: yes.
Comment: Not observed in large population cohorts (Lek 2016); In silico analysis supports that this missense variant does not alter protein structure/function; Has not been previously published as pathogenic or benign to our knowledge